The following is an entry in ClinVar:

NM_000383.4(AIRE):c.67G>A (p.Asp23Asn)

Gene: AIRE (autoimmune regulator; plus strand). Cytogenetic location: 21q22.3.
Variant type: single nucleotide variant.
Coding change: c.67G>A on transcript NM_000383.4 (MANE Select); coding-DNA position 67, G replaced by A.
Protein change: p.Asp23Asn; replaces aspartic acid 23 with asparagine.
Molecular consequence: missense variant.
Genome position (GRCh38, 1-based): chr21:44,286,073, G>A. VCF-style: chr21-44286073-G-A. GRCh37 (hg19) VCF-style: chr21-45705956-G-A.
Other names: short protein forms D23N.
Identifiers: ClinVar variation 1506771 (VCV001506771.7), dbSNP rs975525470, ClinGen allele CA321787734.

ClinVar aggregate classification (germline): Uncertain significance (1 of 4 stars; one submission).

Conditions:
Polyglandular autoimmune syndrome, type 1 (APS1). Also called: PGA I; Autoimmune polyendocrinopathy syndrome, type I; Autoimmune polyendocrinopathy syndrome , type I, with or without reversible metaphyseal dysplasia; HYPOADRENOCORTICISM WITH HYPOPARATHYROIDISM AND SUPERFICIAL MONILIASIS; Autoimmune polyendocrine syndrome type 1; AUTOIMMUNE POLYENDOCRINE SYNDROME, TYPE I, WITH OR WITHOUT REVERSIBLE METAPHYSEAL DYSPLASIA. Identifiers: Orphanet 3453, MedGen C0085859, MONDO:0009411, OMIM 240300.

Allele frequency attached by ClinVar (database versions not stated): gnomAD exomes below 0.00001; gnomAD 0.00001; TOPMed 0.00002.
gnomAD v4.1: 5 of 1,543,986 alleles (0.00032%); highest among the groups gnomAD compares: Non-Finnish European, 0.00035%; no homozygotes.

Submission:

Labcorp Genetics (formerly Invitae), Labcorp
Classification: Uncertain significance for Polyglandular autoimmune syndrome, type 1. Last evaluated: 2025-08-26. Review status: criteria provided, single submitter. Criteria: Invitae Variant Classification Sherloc (09022015). Collection method: clinical testing. Allele origin: germline.
Comment: This sequence change replaces aspartic acid, which is acidic and polar, with asparagine, which is neutral and polar, at codon 23 of the AIRE protein (p.Asp23Asn). This variant is present in population databases (no rsID available, gnomAD 0.03%). This variant has not been reported in the literature in individuals affected with AIRE-related conditions. ClinVar contains an entry for this variant (Variation ID: 1506771). Invitae Evidence Modeling of protein sequence and biophysical properties (such as structural, functional, and spatial information, amino acid conservation, physicochemical variation, residue mobility, and thermodynamic stability) has been performed for this missense variant. However, the output from this modeling did not meet the statistical confidence thresholds required to predict the impact of this variant on AIRE protein function. In summary, the available evidence is currently insufficient to determine the role of this variant in disease. Therefore, it has been classified as a Variant of Uncertain Significance.